The following is an entry in ClinVar:

NM_000535.7(PMS2):c.277C>T (p.Gln93Ter)

Gene: PMS2 (PMS1 homolog 2, mismatch repair system component; minus strand). Cytogenetic location: 7p22.1.
Variant type: single nucleotide variant.
Coding change: c.277C>T on transcript NM_000535.7 (MANE Select); coding-DNA position 277, C replaced by T.
Protein change: p.Gln93Ter; replaces glutamine 93 with a stop codon.
Molecular consequence: nonsense. On other transcripts: 5 prime UTR variant (35), non-coding transcript variant (1), intron variant (11).
Genome position (GRCh38, 1-based): chr7:6,003,766, G>A on the plus strand (C>T on the coding strand, the complement: PMS2 is on the minus strand). VCF-style: chr7-6003766-G-A. GRCh37 (hg19) VCF-style: chr7-6043397-G-A.
Other names: c.-129C>T (NM_001322003.2, NM_001322004.2, NM_001322005.2 and 13 more transcripts); c.277C>T, p.Gln93Ter (NM_001322006.2, NM_001322014.2, NM_001406869.1 and 8 more transcripts); c.-608C>T (NM_001322011.2, NM_001322012.2); c.-208C>T (NM_001322015.2, NM_001406875.1, NM_001406877.1 and 3 more transcripts); c.463C>T, p.Gln155Ter (NM_001406866.1); c.301C>T, p.Gln101Ter (NM_001406868.1); c.-155C>T (NM_001406880.1); c.-76C>T (NM_001406888.1, NM_001406889.1, NM_001406892.1 and 6 more transcripts); and 5 more; short protein forms Q101*, Q155*, Q93*.
Identifiers: ClinVar variation 4686658 (VCV004686658.1).

ClinVar aggregate classification (germline): Likely pathogenic (1 of 4 stars; one submission).

Conditions:
Inherited MMR deficiency (Lynch syndrome).

Submission:

Genetics Laboratory, Great Ormond Street Hospital NHS Foundation Trust, North Thames Genomic Laboratory Hub
Classification: Likely pathogenic for Inherited MMR deficiency (Lynch syndrome). Last evaluated: 2025-11-26. Review status: criteria provided, single submitter. Criteria: CanVIG MMR Gene Specific V1.7. Collection method: clinical testing. Allele origin: germline. Affected: yes.
Comment: PM2_supporting, PVS1_very-strong